The following is an entry in ClinVar:

NM_172166.4(MSH5):c.2071C>T (p.Arg691Ter)

Genes: MSH5 (mutS homolog 5; plus strand), MSH5-SAPCD1 (MSH5-SAPCD1 readthrough (NMD candidate); plus strand). Cytogenetic location: 6p21.33.
Variant type: single nucleotide variant.
Coding change: c.2071C>T on transcript NM_172166.4 (MANE Select); coding-DNA position 2071, C replaced by T.
Protein change: p.Arg691Ter; replaces arginine 691 with a stop codon.
Molecular consequence: nonsense. On other transcripts: non-coding transcript variant (1).
Genome position (GRCh38, 1-based): chr6:31,761,505, C>T. VCF-style: chr6-31761505-C-T. GRCh37 (hg19) VCF-style: chr6-31729282-C-T.
Other names: c.2071C>T, p.Arg691Ter (NM_002441.5); c.2125C>T, p.Arg709Ter (NM_025259.6); c.2074C>T, p.Arg692Ter (NM_172165.4); short protein forms R691*, R692*, R709*.
Identifiers: ClinVar variation 2632077 (VCV002632077.1), dbSNP rs375591471, ClinGen allele CA3721522.
Genomic context (GRCh38, chr6:31,761,505, plus strand): 5'-GAATGCTAACCTCTGCCCTCTTTGCAGGTGGATGGGCTCGCGCTTCTGGCCGCTGTGCTC[C>T]GACACTGGCTGGCACGTGGACCCACATGCCCCCACATCTTTGTGGCCACCAACTTTCTGA-3'

ClinVar aggregate classification (germline): Likely pathogenic (1 of 4 stars; one submission).

Conditions:
MSH5-related disorder. Also called: MSH5-related condition.

Allele frequency attached by ClinVar (database versions not stated): gnomAD exomes 0.00001; ExAC 0.00002; gnomAD 0.00002; TOPMed 0.00003; ESP Exome Variant Server 0.00008.
gnomAD v4.1: 19 of 1,613,530 alleles (0.0012%); highest among the groups gnomAD compares: Admixed American, 0.0017%; no homozygotes.

Submission:

PreventionGenetics, part of Exact Sciences
Classification: Likely pathogenic for MSH5-related condition. Last evaluated: 2023-05-12. Review status: criteria provided, single submitter. Criteria: ACMG Guidelines, 2015. Collection method: clinical testing. Allele origin: germline.
Comment: The MSH5 c.2125C>T variant is predicted to result in premature protein termination (p.Arg709*). To our knowledge, this variant has not been reported in the literature. This variant is reported in 0.0046% of alleles in individuals of European (Finnish) descent in gnomAD. Nonsense variants in MSH5 are expected to be pathogenic (Chen. 2022. PubMed ID: 34980881). This variant is interpreted as likely pathogenic.